The following is an entry in ClinVar:

NM_000466.3(PEX1):c.1611del (p.Glu538fs)

Gene: PEX1 (peroxisomal biogenesis factor 1; minus strand). Cytogenetic location: 7q21.2.
Variant type: Deletion.
Coding change: c.1611del on transcript NM_000466.3 (MANE Select); coding-DNA position 1611, one base deleted (A; older notation c.1611delA).
Protein change: p.Glu538fs; shifts the reading frame from glutamic acid 538.
Molecular consequence: frameshift variant.
Genome position (GRCh38, 1-based): chr7:92,509,388, T deleted on the plus strand (A on the coding strand, the reverse complement: PEX1 is on the minus strand); the first of 4 consecutive T bases (chr7:92,509,388-92,509,391); deleting any one gives the same sequence. VCF-style (leftmost placement, unchanged base first): chr7-92509387-CT-C. GRCh37 (hg19) VCF-style: chr7-92138701-CT-C.
Other names: c.1611del, p.Glu538fs (NM_001282677.2); c.987del, p.Glu330fs (NM_001282678.2); short protein forms E330fs, E538fs.
Identifiers: ClinVar variation 1726265 (VCV001726265.3), dbSNP rs2484682064, ClinGen allele CA2580078148.

ClinVar aggregate classification (germline): Likely pathogenic (1 of 4 stars; one submission).

Conditions:
Peroxisome biogenesis disorder. Identifiers: Orphanet 79189, MedGen C1832200, MONDO:0019234. Disease mechanism: loss of function.

Submission:

Myriad Genetics, Inc.
Classification: Likely pathogenic for Peroxisome biogenesis disorder. Last evaluated: 2021-12-10. Review status: criteria provided, single submitter. Criteria: Myriad Autosomal Dominant, Autosomal Recessive and X-Linked Classification Criteria (2023). Collection method: clinical testing. Allele origin: unknown.
Comment: NM_000466.2(PEX1):c.1611delA(E538Kfs*14) is expected to be pathogenic in the context of peroxisome biogenesis disorder type 1. This variant is predicted to lead to an abnormal or absent protein product due to the creation of a premature termination codon in PEX1, a gene where loss-of-function variants are known to be pathogenic. Please note: this variant was assessed in the context of healthy population screening.